The following is an entry in ClinVar:

ClinVar aggregate classification (germline): Uncertain significance. Review status: criteria provided, multiple submitters, no conflicts (2 of 4 stars). 3 submissions from 3 submitters: Uncertain significance (3). Last evaluated 2025-09-30.

Conditions:
Hereditary cancer-predisposing syndrome. Also called: Neoplastic Syndromes, Hereditary; Hereditary Cancer Syndrome; Tumor predisposition; Hereditary neoplastic syndrome. Identifiers: Orphanet 140162, MedGen C0027672, MeSH D009386, MONDO:0015356.
Neuroblastoma, susceptibility to, 3. Also called: ALK-Related Neuroblastic Tumor Susceptibility. Identifiers: Orphanet 635, MedGen C2751681, MONDO:0013083, OMIM 613014.

Allele frequency attached by ClinVar (database versions not stated): gnomAD exomes below 0.00001; ExAC 0.00001; gnomAD 0.00001; TOPMed 0.00001.

Submissions (3):

Labcorp Genetics (formerly Invitae), Labcorp
Classification: Uncertain significance for Neuroblastoma, susceptibility to, 3. Last evaluated: 2025-09-30. Review status: criteria provided, single submitter. Criteria: Invitae Variant Classification Sherloc (09022015). Collection method: clinical testing. Allele origin: germline.
Comment: This sequence change replaces serine, which is neutral and polar, with leucine, which is neutral and non-polar, at codon 930 of the ALK protein (p.Ser930Leu). This variant is present in population databases (rs767777102, gnomAD no frequency). This variant has not been reported in the literature in individuals affected with ALK-related conditions. ClinVar contains an entry for this variant (Variation ID: 1435961). An algorithm developed to predict the effect of missense changes on protein structure and function (PolyPhen-2) suggests that this variant is likely to be disruptive. In summary, the available evidence is currently insufficient to determine the role of this variant in disease. Therefore, it has been classified as a Variant of Uncertain Significance.

Ambry Genetics
Classification: Uncertain significance for Hereditary cancer-predisposing syndrome. Last evaluated: 2025-04-24. Review status: criteria provided, single submitter. Criteria: Ambry Variant Classification Scheme 2023. Collection method: clinical testing. Allele origin: germline.
Comment: The p.S930L variant (also known as c.2789C>T), located in coding exon 16 of the ALK gene, results from a C to T substitution at nucleotide position 2789. The serine at codon 930 is replaced by leucine, an amino acid with dissimilar properties. This amino acid position is conserved. In addition, this alteration is predicted to be tolerated by in silico analysis. Since supporting evidence is limited at this time, the clinical significance of this alteration remains unclear.

Baylor Genetics
Classification: Uncertain significance for Neuroblastoma, susceptibility to, 3. Last evaluated: 2023-09-23. Review status: criteria provided, single submitter. Criteria: ACMG Guidelines, 2015. Collection method: clinical testing. Allele origin: unknown.

NM_004304.5(ALK):c.2789C>T (p.Ser930Leu)

Gene: ALK (ALK receptor tyrosine kinase; minus strand). Cytogenetic location: 2p23.2.
Variant type: single nucleotide variant.
Coding change: c.2789C>T on transcript NM_004304.5 (MANE Select); coding-DNA position 2789, C replaced by T.
Protein change: p.Ser930Leu; replaces serine 930 with leucine.
Molecular consequence: missense variant.
Genome position (GRCh38, 1-based): chr2:29,228,910, G>A on the plus strand (C>T on the coding strand, the complement: ALK is on the minus strand). VCF-style: chr2-29228910-G-A. GRCh37 (hg19) VCF-style: chr2-29451776-G-A.
Other names: c.2789C>T (NM_004304.4); short protein forms S930L.
Identifiers: ClinVar variation 1435961 (VCV001435961.9), dbSNP rs767777102, ClinGen allele CA1594196.